The following is an entry in ClinVar:

NM_018475.5(TMEM165):c.921T>G (p.Val307=)

Gene: TMEM165 (transmembrane protein 165; plus strand). Cytogenetic location: 4q12.
Variant type: single nucleotide variant.
Coding change: c.921T>G on transcript NM_018475.5 (MANE Select); coding-DNA position 921, T replaced by G.
Protein change: p.Val307=; no amino-acid change (valine 307 retained).
Molecular consequence: synonymous variant. On other transcripts: non-coding transcript variant (1).
Genome position (GRCh38, 1-based): chr4:55,425,398, T>G. VCF-style: chr4-55425398-T-G. GRCh37 (hg19) VCF-style: chr4-56291565-T-G.
Identifiers: ClinVar variation 702600 (VCV000702600.13), dbSNP rs149833286, ClinGen allele CA2925631.

ClinVar aggregate classification (germline): Benign. Review status: criteria provided, single submitter (1 of 4 stars). 2 submissions from 2 submitters: Benign (1). 1 of the submissions does not count toward it. Last evaluated 2025-12-21.

Conditions:
TMEM165-congenital disorder of glycosylation. Also called: Congenital disorder of glycosylation type 2k; CDG IIk; TMEM165-CDG. Identifiers: Orphanet 314667, MedGen C3553571, MONDO:0013870, OMIM 614727.
TMEM165-related disorder. Also called: TMEM165-related condition.

Allele frequency attached by ClinVar (database versions not stated): gnomAD exomes 0.00008 and 0.00023; ExAC 0.00037; ESP Exome Variant Server 0.00100; gnomAD 0.00101 and 0.00108; 1000 Genomes Project 0.00120; TOPMed 0.00123; 1000 Genomes Project 30x 0.00125.
gnomAD v4.1: 277 of 1,613,962 alleles (0.017%); highest among the groups gnomAD compares: African/African-American, 0.3%; 1 homozygote.

Submissions (2):

Labcorp Genetics (formerly Invitae), Labcorp
Classification: Benign for TMEM165-congenital disorder of glycosylation. Last evaluated: 2025-12-21. Review status: criteria provided, single submitter. Criteria: Invitae Variant Classification Sherloc (09022015). Collection method: clinical testing. Allele origin: germline.

PreventionGenetics, part of Exact Sciences
Classification: Likely benign for TMEM165-related condition. Last evaluated: 2020-12-16. Review status: no assertion criteria provided. Collection method: clinical testing. Allele origin: germline. Not counted in ClinVar's aggregate classification.
Comment: This variant is classified as likely benign based on ACMG/AMP sequence variant interpretation guidelines (Richards et al. 2015 PMID: 25741868, with internal and published modifications).